The following is an entry in ClinVar:

NM_000091.5(COL4A3):c.1985G>A (p.Gly662Glu)

Genes: COL4A3 (collagen type IV alpha 3 chain; plus strand), MFF-DT (MFF divergent transcript; minus strand). Cytogenetic location: 2q36.3.
Variant type: single nucleotide variant.
Coding change: c.1985G>A on transcript NM_000091.5 (MANE Select); coding-DNA position 1985, G replaced by A.
Protein change: p.Gly662Glu; replaces glycine 662 with glutamic acid.
Molecular consequence: missense variant.
Genome position (GRCh38, 1-based): chr2:227,276,442, G>A. VCF-style: chr2-227276442-G-A. GRCh37 (hg19) VCF-style: chr2-228141158-G-A.
Other names: short protein forms G662E.
Identifiers: ClinVar variation 2662904 (VCV002662904.6), dbSNP rs2469723579, ClinGen allele CA350846354.

ClinVar aggregate classification (germline): Conflicting classifications of pathogenicity. Review status: criteria provided, conflicting classifications (1 of 4 stars). 4 submissions from 4 submitters: Pathogenic (2); Likely pathogenic (1); Uncertain significance (1). Last evaluated 2025-09-14.

Conditions:
COL4A3-related disorder. Also called: COL4A3-Related Disorders; COL4A3-related condition.
Alport syndrome. Also called: Hemorrhagic familial nephritis; Hemorrhagic hereditary nephritis; Congenital hereditary hematuria. Identifiers: Orphanet 63, MedGen C1567741, MONDO:0018965.

Allele frequency attached by ClinVar (database versions not stated): gnomAD exomes below 0.00001.
gnomAD v4.1: 2 of 1,614,120 alleles (0.00012%); highest among the groups gnomAD compares: Non-Finnish European, 0.00017%; no homozygotes.

Submissions (4):

Natera, Inc.
Classification: Pathogenic for Alport syndrome. Last evaluated: 2025-09-14. Review status: criteria provided, single submitter. Criteria: Natera Variant Classification Schema (03/2026). Collection method: clinical testing. Allele origin: germline.
Comment: The c.1985G>A variant in COL4A3 is a missense variant predicted to cause substitution of glycine to glutamic acid at amino acid 662. This variant is rare in the general population with a frequency below the threshold expected for the associated phenotype(s). This variant has been observed in one or more individuals affected with the associated recessive disease, as either homozygous or compound heterozygous with a second variant (PMID: 28780565). This variant is located in a functionally critical region of the protein. A different variant at the same position has been determined to be Pathogenic or Likely Pathogenic. Computational prediction algorithms indicate this variant is likely to affect gene or protein function. Given the available evidence, this variant is classified as Pathogenic.

Labcorp Genetics (formerly Invitae), Labcorp
Classification: Uncertain significance. Last evaluated: 2024-09-10. Review status: criteria provided, single submitter. Criteria: Invitae Variant Classification Sherloc (09022015). Collection method: clinical testing. Allele origin: germline.
Comment: This sequence change replaces glycine, which is neutral and non-polar, with glutamic acid, which is acidic and polar, at codon 662 of the COL4A3 protein (p.Gly662Glu). This variant is not present in population databases (gnomAD no frequency). This missense change has been observed in individual(s) with clinical features of Alport syndrome (PMID: 28780565). ClinVar contains an entry for this variant (Variation ID: 2662904). Invitae Evidence Modeling of protein sequence and biophysical properties (such as structural, functional, and spatial information, amino acid conservation, physicochemical variation, residue mobility, and thermodynamic stability) indicates that this missense variant is expected to disrupt COL4A3 protein function with a positive predictive value of 80%. This variant disrupts the p.Gly662 amino acid residue in COL4A3. Other variant(s) that disrupt this residue have been observed in individuals with COL4A3-related conditions (PMID: 26809805), which suggests that this may be a clinically significant amino acid residue. In summary, the available evidence is currently insufficient to determine the role of this variant in disease. Therefore, it has been classified as a Variant of Uncertain Significance.

Blueprint Genetics
Classification: Likely pathogenic for COL4A3-related disorders. Last evaluated: 2024-04-15. Review status: criteria provided, single submitter. Criteria: ACMG Guidelines, 2015. Collection method: clinical testing. Allele origin: germline. Affected: yes. Observed: 1 variant allele.

GeneDx
Classification: Pathogenic. Last evaluated: 2023-05-01. Review status: criteria provided, single submitter. Criteria: GeneDx Variant Classification Process June 2021. Collection method: clinical testing. Allele origin: germline. Affected: yes.
Comment: Affects a glycine residue in a Gly-X-Y motif in the triple helical region of the COL4A3 gene, where the majority of pathogenic missense variants occur; Not observed at significant frequency in large population cohorts (gnomAD); In silico analysis supports that this missense variant has a deleterious effect on protein structure/function; This variant is associated with the following publications: (PMID: 28780565)

Literature cited by the submitters: PubMed 28780565 (cited by Natera, Inc. and Labcorp Genetics (formerly Invitae), Labcorp); PubMed 26809805 (cited by Labcorp Genetics (formerly Invitae), Labcorp).